The following is an entry in ClinVar:

ClinVar aggregate classification (germline): Uncertain significance (1 of 4 stars; one submission).

Conditions:
Intellectual developmental disorder, autosomal dominant 6, with or without seizures. Also called: GRIN2B-related developmental delay, intellectual disability and autism spectrum disorder; Intellectual disability, autosomal dominant 6. Identifiers: Orphanet 589547, MedGen C3151411, MONDO:0013509, OMIM 613970.
Developmental and epileptic encephalopathy, 27 (DEE27). Also called: Epileptic encephalopathy, early infantile, 27; GRIN2B-Related Neurodevelopmental Disorder. Identifiers: Orphanet 3451, MedGen C4015316, MONDO:0014505, OMIM 616139.

Submission:

Labcorp Genetics (formerly Invitae), Labcorp
Classification: Uncertain significance for Developmental and epileptic encephalopathy, 27; Intellectual developmental disorder, autosomal dominant 6, with or without seizures. Last evaluated: 2023-11-20. Review status: criteria provided, single submitter. Criteria: Invitae Variant Classification Sherloc (09022015). Collection method: clinical testing. Allele origin: germline.
Comment: This sequence change replaces glutamine, which is neutral and polar, with arginine, which is basic and polar, at codon 1301 of the GRIN2B protein (p.Gln1301Arg). This variant is not present in population databases (gnomAD no frequency). This variant has not been reported in the literature in individuals affected with GRIN2B-related conditions. Advanced modeling of protein sequence and biophysical properties (such as structural, functional, and spatial information, amino acid conservation, physicochemical variation, residue mobility, and thermodynamic stability) performed at Invitae indicates that this missense variant is not expected to disrupt GRIN2B protein function with a negative predictive value of 95%. In summary, the available evidence is currently insufficient to determine the role of this variant in disease. Therefore, it has been classified as a Variant of Uncertain Significance.

NM_000834.5(GRIN2B):c.3902A>G (p.Gln1301Arg)

Gene: GRIN2B (glutamate ionotropic receptor NMDA type subunit 2B; minus strand). Cytogenetic location: 12p13.1.
Variant type: single nucleotide variant.
Coding change: c.3902A>G on transcript NM_000834.5 (MANE Select); coding-DNA position 3902, A replaced by G.
Protein change: p.Gln1301Arg; replaces glutamine 1301 with arginine.
Molecular consequence: missense variant.
Genome position (GRCh38, 1-based): chr12:13,563,336, T>C on the plus strand (A>G on the coding strand, the complement: GRIN2B is on the minus strand). VCF-style: chr12-13563336-T-C. GRCh37 (hg19) VCF-style: chr12-13716270-T-C.
Other names: c.3902A>G, p.Gln1301Arg (NM_001413992.1); short protein forms Q1301R.
Identifiers: ClinVar variation 2954064 (VCV002954064.3), dbSNP rs2497466657, ClinGen allele CA383987260.